The following is an entry in ClinVar:

ClinVar aggregate classification (germline): Uncertain significance (1 of 4 stars; one submission).

Conditions:
Rhabdoid tumor predisposition syndrome 2 (RTPS2). Identifiers: Orphanet 231108, Orphanet 69077, MedGen C2750074, MONDO:0013224, OMIM 613325.

Allele frequency attached by ClinVar (database versions not stated): gnomAD exomes below 0.00001; ExAC 0.00001.
gnomAD v4.1: 1 of 1,612,632 alleles (0.000062%); highest among the groups gnomAD compares: Non-Finnish European, 0.000085%; no homozygotes.

Submission:

Labcorp Genetics (formerly Invitae), Labcorp
Classification: Uncertain significance for Rhabdoid tumor predisposition syndrome 2. Last evaluated: 2023-01-09. Review status: criteria provided, single submitter. Criteria: Invitae Variant Classification Sherloc (09022015). Collection method: clinical testing. Allele origin: germline.
Comment: This variant has not been reported in the literature in individuals affected with SMARCA4-related conditions. This variant is present in population databases (rs777893871, gnomAD 0.0009%). This sequence change replaces aspartic acid, which is acidic and polar, with glycine, which is neutral and non-polar, at codon 1466 of the SMARCA4 protein (p.Asp1466Gly). In summary, the available evidence is currently insufficient to determine the role of this variant in disease. Therefore, it has been classified as a Variant of Uncertain Significance. Advanced modeling of protein sequence and biophysical properties (such as structural, functional, and spatial information, amino acid conservation, physicochemical variation, residue mobility, and thermodynamic stability) has been performed at Invitae for this missense variant, however the output from this modeling did not meet the statistical confidence thresholds required to predict the impact of this variant on SMARCA4 protein function. ClinVar contains an entry for this variant (Variation ID: 642566).

NM_003072.5(SMARCA4):c.4301A>G (p.Asp1434Gly)

Gene: SMARCA4 (SWI/SNF related BAF chromatin remodeling complex subunit ATPase 4; plus strand). Cytogenetic location: 19p13.2.
Variant type: single nucleotide variant.
Coding change: c.4301A>G on transcript NM_003072.5 (MANE Select); coding-DNA position 4301, A replaced by G.
Protein change: p.Asp1434Gly; replaces aspartic acid 1434 with glycine.
Molecular consequence: missense variant. On other transcripts: non-coding transcript variant (1).
Genome position (GRCh38, 1-based): chr19:11,041,437, A>G. VCF-style: chr19-11041437-A-G. GRCh37 (hg19) VCF-style: chr19-11152113-A-G.
Other names: c.4301A>G, p.Asp1434Gly (NM_001128844.3); c.4211A>G, p.Asp1404Gly (NM_001128845.2, NM_001128846.2); c.4202A>G, p.Asp1401Gly (NM_001128847.4, NM_001128848.2, NM_001374457.1); c.4397A>G, p.Asp1466Gly (NM_001128849.3, NM_001387283.1); short protein forms D1466G, D1404G, D1434G, D1401G.
Identifiers: ClinVar variation 642566 (VCV000642566.8), dbSNP rs777893871, ClinGen allele CA9204698.